The following is an entry in ClinVar:

NM_001035.3(RYR2):c.6322A>T (p.Ile2108Leu)

Gene: RYR2 (ryanodine receptor 2; plus strand). Cytogenetic location: 1q43.
Variant type: single nucleotide variant.
Coding change: c.6322A>T on transcript NM_001035.3 (MANE Select); coding-DNA position 6322, A replaced by T.
Protein change: p.Ile2108Leu; replaces isoleucine 2108 with leucine.
Molecular consequence: missense variant.
Genome position (GRCh38, 1-based): chr1:237,627,962, A>T. VCF-style: chr1-237627962-A-T. GRCh37 (hg19) VCF-style: chr1-237791262-A-T.
Other names: short protein forms I2108L.
Identifiers: ClinVar variation 3073735 (VCV003073735.1), dbSNP rs2148667315, ClinGen allele CA345411263.
Genomic context (GRCh38, chr1:237,627,962, plus strand): 5'-CTCCATCGGCAGTATGACGGCATTGGGGGTCTTGTTCGGGCCCTGCCAAAGACCTACACG[A>T]TAAATGGTGTGTCCGTGGAGGACACCATCAACCTGCTGGCATCCCTTGGTCAGATTCGGT-3'
Protein context (NP_001026.2, residues 2098-2118): LVRALPKTYT[Ile2108Leu]NGVSVEDTIN

ClinVar aggregate classification (germline): Uncertain significance (1 of 4 stars; one submission).

Conditions:
Catecholaminergic polymorphic ventricular tachycardia (CVPT). Also called: Catecholamine-induced polymorphic ventricular tachycardia. Identifiers: Orphanet 3286, MedGen C5574922, MONDO:0017990.

Submission:

All of Us Research Program, National Institutes of Health
Classification: Uncertain significance for Catecholaminergic polymorphic ventricular tachycardia. Last evaluated: 2023-10-06. Review status: criteria provided, single submitter. Criteria: ACMG Guidelines, 2015. Collection method: clinical testing. Allele origin: germline. Inheritance: Autosomal dominant inheritance. Observed: 1 variant allele, 1 heterozygote.
Comment: This missense variant replaces isoleucine with leucine at codon 2108 of the RYR2 protein. Computational prediction is inconclusive regarding the impact of this variant on protein structure and function (internally defined REVEL score threshold 0.5 < inconclusive < 0.7, PMID: 27666373). To our knowledge, functional studies have not been reported for this variant. This variant has not been reported in individuals affected with RYR2-related disorders in the literature. This variant has not been identified in the general population by the Genome Aggregation Database (gnomAD). The available evidence is insufficient to determine the role of this variant in disease conclusively. Therefore, this variant is classified as a Variant of Uncertain Significance.

This study involves interpretation of variants in research participants for the purpose of population health screening. Participant phenotype was not available at the time of variant classification. Additional details can be found in publication PMID: 35346344, PMCID: PMC8962531